The following is an entry in ClinVar:

ClinVar aggregate classification (germline): Uncertain significance (1 of 4 stars; one submission).

Submission:

GeneDx
Classification: Uncertain significance. Last evaluated: 2023-02-07. Review status: criteria provided, single submitter. Criteria: GeneDx Variant Classification Process June 2021. Collection method: clinical testing. Allele origin: germline. Affected: yes.
Comment: Not observed at significant frequency in large population cohorts (gnomAD); Has not been previously published as pathogenic or benign to our knowledge; Nonsense variant predicted to result in protein truncation or nonsense mediated decay in a gene or region of a gene for which loss of function is not a well-established mechanism of disease

NM_020822.3(KCNT1):c.3236G>A (p.Trp1079Ter)

Gene: KCNT1 (potassium sodium-activated channel subfamily T member 1; plus strand). Cytogenetic location: 9q34.3.
Variant type: single nucleotide variant.
Coding change: c.3236G>A on transcript NM_020822.3 (MANE Select); coding-DNA position 3236, G replaced by A.
Protein change: p.Trp1079Ter; replaces tryptophan 1079 with a stop codon.
Molecular consequence: nonsense.
Genome position (GRCh38, 1-based): chr9:135,786,255, G>A. VCF-style: chr9-135786255-G-A. GRCh37 (hg19) VCF-style: chr9-138678101-G-A.
Other names: c.3101G>A, p.Trp1034Ter (NM_001272003.2); short protein forms W1034*, W1079*.
Identifiers: ClinVar variation 2430731 (VCV002430731.1), dbSNP rs2491104492, ClinGen allele CA375491557.
Genomic context (GRCh38, chr9:135,786,255, plus strand): 5'-AGTCCCAGATCTCGGTGAACGTGGAGGACTGTGAGGACACACGGGAAGTGAAGGGGCCCT[G>A]GGGCTCCCGCGCTGGCACCGGAGGCAGCTCCCAGGGCCGCCACACGGGCGGCGGTGACCC-3'